The following is an entry in ClinVar:

ClinVar aggregate classification (germline): Uncertain significance. Review status: criteria provided, multiple submitters, no conflicts (2 of 4 stars). 2 submissions from 2 submitters: Uncertain significance (2). Last evaluated 2020-02-26.

Conditions:
Renal dysplasia, cystic, susceptibility to. Identifiers: MedGen C3275898, MONDO:0011037, OMIM 601331.

Allele frequency attached by ClinVar (database versions not stated): gnomAD exomes below 0.00001 and 0.00001; ExAC 0.00001; TOPMed 0.00002.
gnomAD v4.1: 5 of 1,596,592 alleles (0.00031%); highest among the groups gnomAD compares: Middle Eastern, 0.017%; no homozygotes.

Submissions (2):

Johns Hopkins Genomics, Johns Hopkins University
Classification: Uncertain significance for Renal dysplasia, cystic, susceptibility to. Last evaluated: 2020-02-26. Review status: criteria provided, single submitter. Criteria: ACMG Guidelines, 2015. Collection method: clinical testing. Allele origin: germline.
Comment: This BICC1 variant is rare (<0.1%) in large population datasets (gnomAD: 2/246964 total alleles, MAF 0.0008%, no homozygotes), and has not been reported in the literature to our knowledge. Three bioinformatic tools queried predict that this substitution would be benign, and the aspartic acid residue at this position is poorly conserved across the species assessed. Additionally, bioinformatic analysis predicts that this variant would not affect normal exon 13 splicing, although this has not been confirmed experimentally to our knowledge. This substitution does not occur in a known functional domain of the BICC1 protein. Due to insufficient evidence, we consider the clinical significance of c.1733A>C to be uncertain at this time.

Breakthrough Genomics
Classification: Uncertain significance. Review status: criteria provided, single submitter. Criteria: ACMG Guidelines, 2015. Collection method: not provided. Allele origin: germline. Inheritance: Autosomal dominant inheritance. Affected: yes.

Literature cited by the submitters: PubMed 21922595 (cited by Johns Hopkins Genomics, Johns Hopkins University).

NM_001080512.3(BICC1):c.1733A>C (p.Asp578Ala)

Gene: BICC1 (BicC family RNA binding protein 1; plus strand). Cytogenetic location: 10q21.1.
Variant type: single nucleotide variant.
Coding change: c.1733A>C on transcript NM_001080512.3 (MANE Select); coding-DNA position 1733, A replaced by C.
Protein change: p.Asp578Ala; replaces aspartic acid 578 with alanine.
Molecular consequence: missense variant.
Genome position (GRCh38, 1-based): chr10:58,800,201, A>C. VCF-style: chr10-58800201-A-C. GRCh37 (hg19) VCF-style: chr10-60559961-A-C.
Other names: short protein forms D578A.
Identifiers: ClinVar variation 973896 (VCV000973896.2), dbSNP rs750065754, ClinGen allele CA5508579.